The following is an entry in ClinVar:

ClinVar aggregate classification (germline): Uncertain significance (1 of 4 stars; one submission).

Conditions:
Cardiomyopathy (CMYO). Also called: Cardiomyopathies. Identifiers: Orphanet 167848, MedGen C0878544, MONDO:0004994, HP:0001638. Inheritance: Various modes of inheritance.

Submission:

Color Diagnostics, LLC DBA Color Health
Classification: Uncertain significance for Cardiomyopathy. Last evaluated: 2024-03-07. Review status: criteria provided, single submitter. Criteria: ACMG Guidelines, 2015. Collection method: clinical testing. Allele origin: germline.
Comment: This missense variant replaces aspartic acid with glutamic acid at codon 434 of the RYR2 protein. Computational prediction suggests that this variant may not impact protein structure and function (internally defined REVEL score threshold <= 0.5, PMID: 27666373). To our knowledge, functional studies have not been reported for this variant. This variant has not been reported in individuals affected with cardiovascular disorders in the literature. This variant has not been identified in the general population by the Genome Aggregation Database (gnomAD). The available evidence is insufficient to determine the role of this variant in disease conclusively. Therefore, this variant is classified as a Variant of Uncertain Significance.

NM_001035.3(RYR2):c.1302T>G (p.Asp434Glu)

Gene: RYR2 (ryanodine receptor 2; plus strand). Cytogenetic location: 1q43.
Variant type: single nucleotide variant.
Coding change: c.1302T>G on transcript NM_001035.3 (MANE Select); coding-DNA position 1302, T replaced by G.
Protein change: p.Asp434Glu; replaces aspartic acid 434 with glutamic acid.
Molecular consequence: missense variant.
Genome position (GRCh38, 1-based): chr1:237,454,400, T>G. VCF-style: chr1-237454400-T-G. GRCh37 (hg19) VCF-style: chr1-237617700-T-G.
Other names: short protein forms D434E.
Identifiers: ClinVar variation 1171094 (VCV001171094.3), dbSNP rs2150216792, ClinGen allele CA345379847.
Genomic context (GRCh38, chr1:237,454,400, plus strand): 5'-GATAAAATTGTGAATCACTGACAATAGAGAAATGTTTATGGTTTATTTTAGGGGCCTTGA[T>G]GCTCTCAGCAAGAAAGCGAAGGCTTCCACAGTCGATTTGCCTATAGAGTCCGTAAGCCTA-3'
Protein context (NP_001026.2, residues 424-444): FLFNRFIRGL[Asp434Glu]ALSKKAKAST